The following is an entry in ClinVar:

ClinVar aggregate classification (germline): Pathogenic/Likely pathogenic. Review status: criteria provided, multiple submitters, no conflicts (2 of 4 stars). 5 submissions from 5 submitters: Pathogenic (4); Likely pathogenic (1). Last evaluated 2025-02-13.

Conditions:
CRPPA-related disorder.
ISPD-related disorder.
Autosomal recessive limb-girdle muscular dystrophy type 2U. Also called: MUSCULAR DYSTROPHY, LIMB-GIRDLE, TYPE 2U; Muscular dystrophy-dystroglycanopathy (limb-girdle), type c, 7. Identifiers: Orphanet 352479, MedGen C5190987, MONDO:0014474, OMIM 616052.
Muscular dystrophy-dystroglycanopathy (congenital with brain and eye anomalies), type A, 7. Also called: WALKER-WARBURG SYNDROME OR MUSCLE-EYE-BRAIN DISEASE, ISPD-RELATED; Congenital muscular dystrophy-dystroglycanopathy with brain and eye anomalies, type A7. Identifiers: Orphanet 899, MedGen C3553330, MONDO:0013835, OMIM 614643.

Allele frequency attached by ClinVar (database versions not stated): ExAC 0.00001; gnomAD exomes 0.00002 and 0.00004; TOPMed 0.00002; gnomAD 0.00003; ESP Exome Variant Server 0.00008.

Submissions (5):

Labcorp Genetics (formerly Invitae), Labcorp
Classification: Pathogenic for Muscular dystrophy-dystroglycanopathy (congenital with brain and eye anomalies), type A, 7; Autosomal recessive limb-girdle muscular dystrophy type 2U. Last evaluated: 2025-02-13. Review status: criteria provided, single submitter. Criteria: Invitae Variant Classification Sherloc (09022015). Collection method: clinical testing. Allele origin: germline.
Comment: This sequence change creates a premature translational stop signal (p.Gln215*) in the ISPD gene. It is expected to result in an absent or disrupted protein product. Loss-of-function variants in ISPD are known to be pathogenic (PMID: 23288328). This variant is present in population databases (rs370627877, gnomAD 0.004%). This premature translational stop signal has been observed in individual(s) with ISPD-related conditions (PMID: 22522420, 23288328). ClinVar contains an entry for this variant (Variation ID: 282846). For these reasons, this variant has been classified as Pathogenic.

GeneDx
Classification: Pathogenic. Last evaluated: 2024-12-18. Review status: criteria provided, single submitter. Criteria: GeneDx Variant Classification Process June 2021. Collection method: clinical testing. Allele origin: germline. Affected: yes.
Comment: Published functional studies demonstrate a damaging effect and show loss of both functional glycosylation and receptor function (PMID: 22522420); Nonsense variant predicted to result in protein truncation or nonsense mediated decay in a gene for which loss of function is a known mechanism of disease; Not observed at significant frequency in large population cohorts (gnomAD); This variant is associated with the following publications: (PMID: 23288328, 22522420)

Blueprint Genetics
Classification: Likely pathogenic for CRPPA-related disorders. Last evaluated: 2023-10-31. Review status: criteria provided, single submitter. Criteria: ACMG Guidelines, 2015. Collection method: clinical testing. Allele origin: germline. Affected: yes. Observed: 1 variant allele.

Revvity Omics, Revvity
Classification: Pathogenic. Last evaluated: 2023-05-15. Review status: criteria provided, single submitter. Criteria: ACMG Guidelines, 2015. Collection method: clinical testing. Allele origin: germline.

Eurofins Ntd Llc (ga)
Classification: Pathogenic. Last evaluated: 2015-08-19. Review status: criteria provided, single submitter. Criteria: EGL Classification Definitions 2015. Collection method: clinical testing. Allele origin: germline. Observed: 2 variant alleles, 2 heterozygotes.

Literature cited by the submitters: PubMed 23288328 (cited by Labcorp Genetics (formerly Invitae), Labcorp); PubMed 22522420 (cited by Labcorp Genetics (formerly Invitae), Labcorp).

NM_001101426.4(CRPPA):c.643C>T (p.Gln215Ter)

Gene: CRPPA (CDP-L-ribitol pyrophosphorylase A; minus strand). Cytogenetic location: 7p21.2.
Variant type: single nucleotide variant.
Coding change: c.643C>T on transcript NM_001101426.4 (MANE Select); coding-DNA position 643, C replaced by T.
Protein change: p.Gln215Ter; replaces glutamine 215 with a stop codon.
Molecular consequence: nonsense. On other transcripts: non-coding transcript variant (1), intron variant (1).
Genome position (GRCh38, 1-based): chr7:16,376,133, G>A on the plus strand (C>T on the coding strand, the complement: CRPPA is on the minus strand). VCF-style: chr7-16376133-G-A. GRCh37 (hg19) VCF-style: chr7-16415758-G-A.
Other names: c.643C>T, p.Gln215Ter (NM_001368197.1); c.534+29928C>T (NM_001101417.4); short protein forms Q215*.
Identifiers: ClinVar variation 282846 (VCV000282846.19), dbSNP rs370627877, ClinGen allele CA4169552.
Genomic context (GRCh38, chr7:16,376,133, plus strand): 5'-AAAAAGCCCAAATTCTTACCTGCTGATATGCTTCATAAATCACATCAAATAGAAAAGCTT[G>A]GGGCATTTCACTTGCTCTGTGTCTGGCACGTTCTAGCGAGTAGTCTAAGCAACCATCAGC-3'